The following is an entry in ClinVar:

ClinVar aggregate classification (germline): Uncertain significance (1 of 4 stars; one submission).

Submission:

Labcorp Genetics (formerly Invitae), Labcorp
Classification: Uncertain significance. Last evaluated: 2022-07-12. Review status: criteria provided, single submitter. Criteria: Invitae Variant Classification Sherloc (09022015). Collection method: clinical testing. Allele origin: germline.
Comment: This variant, c.556_558del, results in the deletion of 1 amino acid(s) of the SPARC protein (p.Asn186del), but otherwise preserves the integrity of the reading frame. This variant is present in population databases (rs748423029, gnomAD 0.01%). This variant has not been reported in the literature in individuals affected with SPARC-related conditions. Experimental studies and prediction algorithms are not available or were not evaluated, and the functional significance of this variant is currently unknown. In summary, the available evidence is currently insufficient to determine the role of this variant in disease. Therefore, it has been classified as a Variant of Uncertain Significance.

NM_003118.4(SPARC):c.553AAC[1] (p.Asn186del)

Gene: SPARC (secreted protein acidic and cysteine rich; minus strand). Cytogenetic location: 5q33.1.
Variant type: Microsatellite.
Coding change: c.553AAC[1] on transcript NM_003118.4 (MANE Select); one copy of the 3-base unit AAC starting at c.553; the reference has two copies in a row; one copy, 3 bases deleted.
Protein change: p.Asn186del; deletes asparagine 186.
Molecular consequence: inframe deletion.
Genome position (GRCh38, 1-based): chr5:151,667,494-151,667,496, GTT deleted on the plus strand (AAC on the coding strand, the reverse complement: SPARC is on the minus strand); deleting any 3 consecutive bases within chr5:151,667,494-151,667,501 gives the same sequence; the position shown is the placement nearest the transcript's 3' end. VCF-style (leftmost placement, unchanged base first): chr5-151667493-GGTT-G. GRCh37 (hg19) VCF-style: chr5-151047054-GGTT-G.
Other names: c.550AAC[1], p.Asn185del (NM_001309443.2); c.553AAC[1], p.Asn186del (NM_001309444.2); short protein forms N185del, N186del.
Identifiers: ClinVar variation 1367798 (VCV001367798.7), dbSNP rs748423029, ClinGen allele CA3522655.